The following is an entry in ClinVar:

ClinVar aggregate classification (germline): Conflicting classifications of pathogenicity. Review status: criteria provided, conflicting classifications (1 of 4 stars). 2 submissions from 2 submitters: Uncertain significance (1); Likely benign (1). Last evaluated 2023-03-23.

Conditions:
Hereditary cancer-predisposing syndrome. Also called: Tumor predisposition; Neoplastic Syndromes, Hereditary; Hereditary Cancer Syndrome; Hereditary neoplastic syndrome. Identifiers: Orphanet 140162, MedGen C0027672, MeSH D009386, MONDO:0015356.
Hereditary breast ovarian cancer syndrome. Also called: BRCA1- and BRCA2-Associated Hereditary Breast and Ovarian Cancer; Hereditary breast and/or ovarian cancer syndrome; Hereditary breast and ovarian cancer syndrome; Hereditary breast and ovarian cancer syndrome (HBOC); Breast and ovarian cancer; Hereditary breast and ovarian cancer. Identifiers: Orphanet 145, MedGen C0677776, MeSH D061325, MONDO:0003582. Disease mechanism: loss of function.

Submissions (2):

University of Washington Department of Laboratory Medicine, University of Washington
Classification: Likely benign for Hereditary cancer-predisposing syndrome. Last evaluated: 2023-03-23. Review status: criteria provided, single submitter. Criteria: Dines et al. (Genet Med. 2020). Collection method: curation. Allele origin: germline.
Comment: Missense variant in a coldspot region where missense variants are very unlikely to be pathogenic (PMID:31911673).

BRCA2 exon 11 coldspot. Reclassification based on statistical prior probability.

Labcorp Genetics (formerly Invitae), Labcorp
Classification: Uncertain significance for Hereditary breast ovarian cancer syndrome. Last evaluated: 2022-01-31. Review status: criteria provided, single submitter. Criteria: Invitae Variant Classification Sherloc (09022015). Collection method: clinical testing. Allele origin: germline.
Comment: In summary, the available evidence is currently insufficient to determine the role of this variant in disease. Therefore, it has been classified as a Variant of Uncertain Significance. This sequence change replaces serine, which is neutral and polar, with arginine, which is basic and polar, at codon 1074 of the BRCA2 protein (p.Ser1074Arg). This variant is not present in population databases (gnomAD no frequency). This variant has not been reported in the literature in individuals affected with BRCA2-related conditions. Advanced modeling of protein sequence and biophysical properties (such as structural, functional, and spatial information, amino acid conservation, physicochemical variation, residue mobility, and thermodynamic stability) performed at Invitae indicates that this missense variant is not expected to disrupt BRCA2 protein function.

NM_000059.4(BRCA2):c.3222T>A (p.Ser1074Arg)

Gene: BRCA2 (BRCA2 DNA repair associated; plus strand). Cytogenetic location: 13q13.1.
Variant type: single nucleotide variant.
Coding change: c.3222T>A on transcript NM_000059.4 (MANE Select); coding-DNA position 3222, T replaced by A.
Protein change: p.Ser1074Arg; replaces serine 1074 with arginine.
Molecular consequence: missense variant.
Genome position (GRCh38, 1-based): chr13:32,337,577, T>A. VCF-style: chr13-32337577-T-A. GRCh37 (hg19) VCF-style: chr13-32911714-T-A.
Other names: c.3222T>A, p.Ser1074Arg (NM_001406719.1, NM_001406720.1); short protein forms S1074R.
Identifiers: ClinVar variation 2085015 (VCV002085015.6), dbSNP rs1555283109, ClinGen allele CA387775904.